The following is an entry in ClinVar:

ClinVar aggregate classification (germline): Uncertain significance (1 of 4 stars; one submission).

Conditions:
Landau-Kleffner syndrome (FESD). Also called: EPILEPSY, FOCAL, WITH SPEECH DISORDER AND WITH OR WITHOUT MENTAL RETARDATION; APHASIA, ACQUIRED, WITH EPILEPSY. Identifiers: Orphanet 1945, Orphanet 725, Orphanet 98818, MedGen C0282512, MONDO:0009509, OMIM 245570.

Allele frequency attached by ClinVar (database versions not stated): gnomAD 0.00001.
gnomAD v4.1: 1 of 1,613,932 alleles (0.000062%); highest among the groups gnomAD compares: Non-Finnish European, 0.000085%; no homozygotes.

Submission:

Labcorp Genetics (formerly Invitae), Labcorp
Classification: Uncertain significance for Landau-Kleffner syndrome. Last evaluated: 2018-12-23. Review status: criteria provided, single submitter. Criteria: Invitae Variant Classification Sherloc (09022015). Collection method: clinical testing. Allele origin: germline.
Comment: In summary, the available evidence is currently insufficient to determine the role of this variant in disease. Therefore, it has been classified as a Variant of Uncertain Significance. Algorithms developed to predict the effect of sequence changes on RNA splicing suggest that this variant may create or strengthen a splice site, but this prediction has not been confirmed by published transcriptional studies. Algorithms developed to predict the effect of missense changes on protein structure and function output the following: SIFT: "Tolerated"; PolyPhen-2: "Benign"; Align-GVGD: "Class C0". The serine amino acid residue is found in multiple mammalian species, suggesting that this missense change does not adversely affect protein function. These predictions have not been confirmed by published functional studies and their clinical significance is uncertain. This variant has not been reported in the literature in individuals with GRIN2A-related conditions. This variant is not present in population databases (ExAC no frequency). This sequence change replaces asparagine with serine at codon 1437 of the GRIN2A protein (p.Asn1437Ser). The asparagine residue is weakly conserved and there is a small physicochemical difference between asparagine and serine.

NM_001134407.3(GRIN2A):c.4310A>G (p.Asn1437Ser)

Gene: GRIN2A (glutamate ionotropic receptor NMDA type subunit 2A; minus strand). Cytogenetic location: 16p13.2.
Variant type: single nucleotide variant.
Coding change: c.4310A>G on transcript NM_001134407.3 (MANE Select); coding-DNA position 4310, A replaced by G.
Protein change: p.Asn1437Ser; replaces asparagine 1437 with serine.
Molecular consequence: missense variant. On other transcripts: 3 prime UTR variant (1).
Genome position (GRCh38, 1-based): chr16:9,763,234, T>C on the plus strand (A>G on the coding strand, the complement: GRIN2A is on the minus strand). VCF-style: chr16-9763234-T-C. GRCh37 (hg19) VCF-style: chr16-9857091-T-C.
Other names: c.4310A>G, p.Asn1437Ser (NM_000833.5); c.*121A>G (NM_001134408.2); short protein forms N1437S.
Identifiers: ClinVar variation 645479 (VCV000645479.9), dbSNP rs1427097667, ClinGen allele CA394705246.